The following is an entry in ClinVar:

NM_001354604.2(MITF):c.*1C>T

Gene: MITF (melanocyte inducing transcription factor; plus strand). Cytogenetic location: 3p13.
Variant type: single nucleotide variant.
Coding change: c.*1C>T on transcript NM_001354604.2 (MANE Select); 1 bases downstream of the stop codon, C replaced by T.
Molecular consequence: 3 prime UTR variant.
Genome position (GRCh38, 1-based): chr3:69,965,249, C>T. VCF-style: chr3-69965249-C-T. GRCh37 (hg19) VCF-style: chr3-70014400-C-T.
Other names: c.*1C>T (NM_000248.4, NM_001184967.2, NM_001354605.2 and 8 more transcripts).
Identifiers: ClinVar variation 2443585 (VCV002443585.2), dbSNP rs773498863, ClinGen allele CA2490704.
Genomic context (GRCh38, chr3:69,965,249, plus strand): 5'-TCCAAAACAAGCAGCCGGAGGAGCAGTATGAGCATGGAAGAGACGGAGCACACTTGTTAG[C>T]GAATCCTCCCTGCACTGCATTCGCACAAACTGCTTCCTTTCTTGATTCGTAGATTTAATA-3'

ClinVar aggregate classification (germline): Uncertain significance (1 of 4 stars; one submission).

Allele frequency attached by ClinVar (database versions not stated): ExAC 0.00001; gnomAD 0.00001; gnomAD exomes 0.00001.
gnomAD v4.1: 11 of 1,613,548 alleles (0.00068%); highest among the groups gnomAD compares: African/African-American, 0.0027%; no homozygotes.

Submission:

GeneDx
Classification: Uncertain significance. Last evaluated: 2024-05-03. Review status: criteria provided, single submitter. Criteria: GeneDx Variant Classification Process June 2021. Collection method: clinical testing. Allele origin: germline. Affected: yes.
Comment: Located in a region that tolerates variation and lacks pathogenic variants; Has not been previously published as pathogenic or benign to our knowledge